The following is an entry in ClinVar:

ClinVar aggregate classification (germline): Conflicting classifications of pathogenicity. Review status: criteria provided, conflicting classifications (1 of 4 stars). 4 submissions from 4 submitters: Uncertain significance (2); Likely benign (2). Last evaluated 2025-05-01.

Conditions:
Polycystic kidney disease, adult type (PKD1). Also called: POLYCYSTIC KIDNEY DISEASE, ADULT, TYPE I; Polycystic Kidney Disease 1, Autosomal Dominant; Polycystic kidney disease 1; Polycystic kidney disease 1, severe; Polycystic Kidney, Autosomal Dominant; POLYCYSTIC KIDNEY DISEASE 1 WITH OR WITHOUT POLYCYSTIC LIVER DISEASE. Identifiers: MedGen C3149841, MONDO:0008263, OMIM 173900.

Allele frequency attached by ClinVar (database versions not stated): TOPMed 0.00017; gnomAD 0.00018; gnomAD exomes 0.00024; ExAC 0.00025; ESP Exome Variant Server 0.00039.
gnomAD v4.1: 376 of 1,609,086 alleles (0.023%); highest among the groups gnomAD compares: Non-Finnish European, 0.03%; no homozygotes.

Submissions (4):

GeneDx
Classification: Uncertain significance. Last evaluated: 2025-05-01. Review status: criteria provided, single submitter. Criteria: GeneDx Variant Classification Process June 2021. Collection method: clinical testing. Allele origin: germline.
Comment: In silico analysis suggests this variant may impact gene splicing. In the absence of RNA/functional studies, the actual effect of this sequence change is unknown.; Has not been previously published as pathogenic or benign to our knowledge

Women's Health and Genetics/Laboratory Corporation of America, LabCorp
Classification: Likely benign. Last evaluated: 2025-03-21. Review status: criteria provided, single submitter. Criteria: LabCorp Variant Classification Summary - May 2015. Collection method: clinical testing. Allele origin: germline.

Blueprint Genetics
Classification: Likely benign. Last evaluated: 2024-10-24. Review status: criteria provided, single submitter. Criteria: ACMG Guidelines, 2015. Collection method: clinical testing. Allele origin: germline.

Department of Pathology and Laboratory Medicine, Sinai Health System
Classification: Uncertain significance for Polycystic kidney disease, adult type. Last evaluated: 2022-07-05. Review status: criteria provided, single submitter. Criteria: ACMG Guidelines, 2015. Collection method: clinical testing. Allele origin: germline. Affected: yes.

NM_001009944.3(PKD1):c.10920C>T (p.Ser3640=)

Genes: PKD1 (polycystin 1, transient receptor potential channel interacting; minus strand), PKD1-AS1 (PKD1 antisense RNA 1; plus strand). Cytogenetic location: 16p13.3.
Variant type: single nucleotide variant.
Coding change: c.10920C>T on transcript NM_001009944.3 (MANE Select); coding-DNA position 10920, C replaced by T.
Protein change: p.Ser3640=; no amino-acid change (serine 3640 retained).
Molecular consequence: synonymous variant.
Genome position (GRCh38, 1-based): chr16:2,093,640, G>A on the plus strand (C>T on the coding strand, the complement: PKD1 is on the minus strand). VCF-style: chr16-2093640-G-A. GRCh37 (hg19) VCF-style: chr16-2143641-G-A.
Other names: c.10917C>T, p.Ser3639= (NM_000296.4).
Identifiers: ClinVar variation 3252664 (VCV003252664.5), dbSNP rs150388984.